The following is an entry in ClinVar:

ClinVar aggregate classification (germline): Uncertain significance (1 of 4 stars; one submission).

Conditions:
Hereditary cancer-predisposing syndrome. Also called: Neoplastic Syndromes, Hereditary; Tumor predisposition; Hereditary neoplastic syndrome; Hereditary Cancer Syndrome. Identifiers: Orphanet 140162, MedGen C0027672, MeSH D009386, MONDO:0015356.

Submission:

Ambry Genetics
Classification: Uncertain significance for Hereditary cancer-predisposing syndrome. Last evaluated: 2026-07-06. Review status: criteria provided, single submitter. Criteria: Ambry Variant Classification Scheme 2023. Collection method: clinical testing. Allele origin: germline.
Comment: The p.P65S variant (also known as c.193C>T), located in coding exon 1 of the AXIN2 gene, results from a C to T substitution at nucleotide position 193. The proline at codon 65 is replaced by serine, an amino acid with similar properties. This amino acid position is conserved. In addition, the in silico prediction for this alteration is inconclusive. Based on the available evidence, the clinical significance of this variant remains unclear.

NM_004655.4(AXIN2):c.193C>T (p.Pro65Ser)

Gene: AXIN2 (axin 2; minus strand). Cytogenetic location: 17q24.1.
Variant type: single nucleotide variant.
Coding change: c.193C>T on transcript NM_004655.4 (MANE Select); coding-DNA position 193, C replaced by T.
Protein change: p.Pro65Ser; replaces proline 65 with serine.
Molecular consequence: missense variant.
Genome position (GRCh38, 1-based): chr17:65,558,428, G>A on the plus strand (C>T on the coding strand, the complement: AXIN2 is on the minus strand). VCF-style: chr17-65558428-G-A. GRCh37 (hg19) VCF-style: chr17-63554546-G-A.
Other names: c.193C>T, p.Pro65Ser (NM_001363813.1); short protein forms P65S.
Identifiers: ClinVar variation 5032565 (VCV005032565.1).
Genomic context (GRCh38, chr17:65,558,428, plus strand): 5'-AGGAGTGTAAGGACTTGGTCCACCGGGTCAGAGGGGAATCCGGAGATGCCCGCCCCTCCG[G>A]CTCCCCCAACCCATCTTCGTTCCGCCTGGTGTTGGAAGAGACAGGCATGGGTTTGGTGAC-3'
Protein context (NP_004646.3, residues 55-75): TRRNEDGLGE[Pro65Ser]EGRASPDSPL